The following is an entry in ClinVar:

NM_000219.6(KCNE1):c.2T>C (p.Met1Thr)

Gene: KCNE1 (potassium voltage-gated channel subfamily E regulatory subunit 1; minus strand). Cytogenetic location: 21q22.12.
Variant type: single nucleotide variant.
Coding change: c.2T>C on transcript NM_000219.6 (MANE Select); coding-DNA position 2, T replaced by C.
Protein change: p.Met1Thr; changes the start codon (methionine 1).
Molecular consequence: missense variant, initiator codon variant.
Genome position (GRCh38, 1-based): chr21:34,449,633, A>G on the plus strand (T>C on the coding strand, the complement: KCNE1 is on the minus strand). VCF-style: chr21-34449633-A-G. GRCh37 (hg19) VCF-style: chr21-35821931-A-G.
Other names: c.2T>C, p.Met1Thr (NM_001127668.4, NM_001127669.4, NM_001127670.4 and 4 more transcripts); short protein forms M1T.
Identifiers: ClinVar variation 3374237 (VCV003374237.2).

Conditions:
Long QT syndrome 5 (LQT5). Identifiers: Orphanet 101016, Orphanet 768, MedGen C1867904, MONDO:0013372, OMIM 613695.

Submission:

Roden Lab, Vanderbilt University Medical Center
No classification provided (evidence only). Condition: Long QT syndrome 5. Review status: no classification provided. Collection method: in vitro. Allele origin: not applicable. Functional consequence: Effect on ion channel function.
ClinVar note: "not provided" was previously submitted as the classification for the variant. However, the classification appeared to be based only on an observation of functional data so it was converted to no classification on 2025-07-30.